The following is an entry in ClinVar:

NM_001347721.2(DYRK1A):c.1879C>T (p.Pro627Ser)

Gene: DYRK1A (dual specificity tyrosine phosphorylation regulated kinase 1A; plus strand). Cytogenetic location: 21q22.13.
Variant type: single nucleotide variant.
Coding change: c.1879C>T on transcript NM_001347721.2 (MANE Select); coding-DNA position 1879, C replaced by T.
Protein change: p.Pro627Ser; replaces proline 627 with serine.
Molecular consequence: missense variant. On other transcripts: 3 prime UTR variant (2).
Genome position (GRCh38, 1-based): chr21:37,512,145, C>T. VCF-style: chr21-37512145-C-T. GRCh37 (hg19) VCF-style: chr21-38884448-C-T.
Other names: c.1879C>T, p.Pro627Ser (NM_001347722.2, NM_130436.2); c.1792C>T, p.Pro598Ser (NM_001347723.2); c.1906C>T, p.Pro636Ser (NM_001396.5); c.*282C>T (NM_101395.2); c.*191C>T (NM_130438.2); short protein forms P636S, P598S, P627S.
Identifiers: ClinVar variation 1369070 (VCV001369070.8), dbSNP rs2053770653, ClinGen allele CA409939789.

ClinVar aggregate classification (germline): Uncertain significance (1 of 4 stars; one submission).

Conditions:
DYRK1A-related intellectual disability syndrome (MRD7). Also called: Intellectual developmental disorder, autosomal dominant 7; DYRK1A Syndrome. Identifiers: Orphanet 464306, MedGen C5568143, MONDO:0013578, OMIM 614104.

Allele frequency attached by ClinVar (database versions not stated): gnomAD 0.00001.
gnomAD v4.1: 1 of 1,614,088 alleles (0.000062%); highest among the groups gnomAD compares: South Asian, 0.0011%; no homozygotes.

Submission:

Labcorp Genetics (formerly Invitae), Labcorp
Classification: Uncertain significance for DYRK1A-related intellectual disability syndrome. Last evaluated: 2021-02-02. Review status: criteria provided, single submitter. Criteria: Invitae Variant Classification Sherloc (09022015). Collection method: clinical testing. Allele origin: germline.
Comment: In summary, the available evidence is currently insufficient to determine the role of this variant in disease. Therefore, it has been classified as a Variant of Uncertain Significance. Advanced modeling of protein sequence and biophysical properties (such as structural, functional, and spatial information, amino acid conservation, physicochemical variation, residue mobility, and thermodynamic stability) performed at Invitae indicates that this missense variant is not expected to disrupt DYRK1A protein function. This variant has not been reported in the literature in individuals with DYRK1A-related conditions. This variant is not present in population databases (ExAC no frequency). This sequence change replaces proline with serine at codon 636 of the DYRK1A protein (p.Pro636Ser). The proline residue is highly conserved and there is a moderate physicochemical difference between proline and serine.